The following is an entry in ClinVar:

NM_144670.6(A2ML1):c.2029-8C>T

Gene: A2ML1 (alpha-2-macroglobulin like 1; plus strand). Cytogenetic location: 12p13.31.
Variant type: single nucleotide variant.
Coding change: c.2029-8C>T on transcript NM_144670.6 (MANE Select); 8 bases into the intron before coding-DNA position 2029, C replaced by T.
Molecular consequence: intron variant.
Genome position (GRCh38, 1-based): chr12:8,849,661, C>T. VCF-style: chr12-8849661-C-T. GRCh37 (hg19) VCF-style: chr12-9002257-C-T.
Other names: c.556-8C>T (NM_001282424.3).
Identifiers: ClinVar variation 507170 (VCV000507170.15), dbSNP rs7298954, ClinGen allele CA6435877.

ClinVar aggregate classification (germline): Benign. Review status: criteria provided, multiple submitters, no conflicts (2 of 4 stars). 4 submissions from 4 submitters: Benign (3). 1 of the submissions does not count toward it. Last evaluated 2026-01-10.

Conditions:
A2ML1-related disorder. Also called: A2ML1-related condition.

Allele frequency attached by ClinVar (database versions not stated): ESP Exome Variant Server 0.00034; TOPMed 0.00045; gnomAD 0.00048; 1000 Genomes Project 30x 0.00094; 1000 Genomes Project 0.00120.
gnomAD v4.1: 164 of 1,612,212 alleles (0.01%); highest among the groups gnomAD compares: African/African-American, 0.17%; 1 homozygote.

Submissions (4):

Labcorp Genetics (formerly Invitae), Labcorp
Classification: Benign. Last evaluated: 2026-01-10. Review status: criteria provided, single submitter. Criteria: Invitae Variant Classification Sherloc (09022015). Collection method: clinical testing. Allele origin: germline.

Women's Health and Genetics/Laboratory Corporation of America, LabCorp
Classification: Benign. Last evaluated: 2020-06-22. Review status: criteria provided, single submitter. Criteria: LabCorp Variant Classification Summary - May 2015. Collection method: clinical testing. Allele origin: germline.
Comment: Variant summary: A2ML1 c.2029-8C>T alters a non-conserved nucleotide located close to a canonical splice site and therefore could affect mRNA splicing, leading to a significantly altered protein sequence. 4/4 computational tools predict no significant impact on normal splicing. However, these predictions have yet to be confirmed by functional studies. The variant allele was found at a frequency of 9.2e-05 in 249340 control chromosomes, predominantly at a frequency of 0.0013 within the African or African-American subpopulation in the gnomAD database. The observed variant frequency within African or African-American control individuals in the gnomAD database is approximately 325-fold of the estimated maximal expected allele frequency for a pathogenic variant in A2ML1 causing Noonan Syndrome And Related Conditions phenotype (4e-06), strongly suggesting that the variant is a benign polymorphism found primarily in populations of African or African-American origin. To our knowledge, no occurrence of c.2029-8C>T in individuals affected with Noonan Syndrome And Related Conditions and no experimental evidence demonstrating its impact on protein function have been reported. Two ClinVar submitters (evaluation after 2014) cite the variant as benign. Based on the evidence outlined above, the variant was classified as benign.

GeneDx
Classification: Benign. Last evaluated: 2017-10-02. Review status: criteria provided, single submitter. Criteria: GeneDx Variant Classification (06012015). Collection method: clinical testing. Allele origin: germline. Affected: yes.
Comment: This variant is considered likely benign or benign based on one or more of the following criteria: it is a conservative change, it occurs at a poorly conserved position in the protein, it is predicted to be benign by multiple in silico algorithms, and/or has population frequency not consistent with disease.

PreventionGenetics, part of Exact Sciences
Classification: Likely benign for A2ML1-related condition. Last evaluated: 2020-02-19. Review status: no assertion criteria provided. Collection method: clinical testing. Allele origin: germline. Not counted in ClinVar's aggregate classification.
Comment: This variant is classified as likely benign based on ACMG/AMP sequence variant interpretation guidelines (Richards et al. 2015 PMID: 25741868, with internal and published modifications).